The following is an entry in ClinVar:

NM_000548.5(TSC2):c.2356-1G>A

Gene: TSC2 (TSC complex subunit 2; plus strand). Cytogenetic location: 16p13.3.
Variant type: single nucleotide variant.
Coding change: c.2356-1G>A on transcript NM_000548.5 (MANE Select); the canonical splice acceptor site of the intron before coding-DNA position 2356, G replaced by A.
Molecular consequence: splice acceptor variant.
Genome position (GRCh38, 1-based): chr16:2,074,199, G>A. VCF-style: chr16-2074199-G-A. GRCh37 (hg19) VCF-style: chr16-2124200-G-A.
Other names: c.1012-1G>A (NM_001406691.1, NM_001406697.1, NM_001406694.1 and 6 more transcripts); c.754-1G>A (NM_001406698.1); c.2356-1G>A (NM_001114382.3, NM_001406663.1, NM_001406664.1 and 6 more transcripts); c.2344-1G>A (NM_001406671.1, NM_001406673.1); c.1894-1G>A (NM_001406681.1); c.2245-1G>A (NM_001406670.1, NM_001318827.2, NM_001406678.1); c.1756-1G>A (NM_001406682.1, NM_001406684.1, NM_001406685.1 and 6 more transcripts); c.2446-1G>A (NM_001406667.1, NM_001406668.1); and 3 more.
Identifiers: ClinVar variation 49204 (VCV000049204.9), dbSNP rs45481704, ClinGen allele CA017248.
Genomic context (GRCh38, chr16:2,074,199, plus strand): 5'-GGGTAGGCGAGGCTGCCTCTGCTGCAAGCGGGTGGGGCCTGAGGTGTCCTGTCTCCTGCA[G>A]CGCGAGATGGTCTACTGCCTGGAGCAGGGCCTCATCCACCGCTGTGCCAGCCAGTGCGTC-3'

ClinVar aggregate classification (germline): Pathogenic. Review status: criteria provided, multiple submitters, no conflicts (2 of 4 stars). 5 submissions from 5 submitters: Pathogenic (4). 1 of the submissions does not count toward it. Last evaluated 2021-11-07.

Conditions:
Tuberous sclerosis syndrome (TSC). Also called: Tuberous Sclerosis Complex; Tuberous sclerosis. Identifiers: Orphanet 805, MedGen C0041341, MONDO:0001734.
Tuberous sclerosis 2 (TSC2). Identifiers: Orphanet 805, MedGen C1860707, MONDO:0013199, OMIM 613254.
Hereditary cancer-predisposing syndrome. Also called: Neoplastic Syndromes, Hereditary; Tumor predisposition; Hereditary Cancer Syndrome; Hereditary neoplastic syndrome. Identifiers: Orphanet 140162, MedGen C0027672, MeSH D009386, MONDO:0015356.

Submissions (5):

Genome-Nilou Lab
Classification: Pathogenic for Tuberous sclerosis 2. Last evaluated: 2021-11-07. Review status: criteria provided, single submitter. Criteria: ACMG Guidelines, 2015. Collection method: clinical testing. Allele origin: germline. Affected: no.

GeneDx
Classification: Pathogenic. Last evaluated: 2021-03-30. Review status: criteria provided, single submitter. Criteria: GeneDx Variant Classification Process June 2021. Collection method: clinical testing. Allele origin: germline. Affected: yes.
Comment: Canonical splice site variant predicted to result in a null allele in a gene for which loss-of-function is a known mechanism of disease; Not observed in large population cohorts (Lek et al., 2016); This variant is associated with the following publications: (PMID: 23389244, 10942116, 25525159)

Division of Genomic Medicine, Department of Advanced Medicine, Medical Research Institute, Kanazawa Medical University
Classification: Pathogenic for Tuberous sclerosis 2. Last evaluated: 2020-07-10. Review status: criteria provided, single submitter. Criteria: ACMG Guidelines, 2015. Collection method: clinical testing. Allele origin: germline. Affected: yes. Observed: 1 variant allele.

Ambry Genetics
Classification: Pathogenic for Hereditary cancer-predisposing syndrome. Last evaluated: 2018-12-20. Review status: criteria provided, single submitter. Criteria: Ambry Variant Classification Scheme 2023. Collection method: clinical testing. Allele origin: germline.
Comment: The c.2356-1G>A intronic pathogenic mutation results from a G to A substitution one nucleotide upstream from coding exon 21 of the TSC2 gene. This mutation was identified in two individuals meeting diagnostic criteria for tuberous sclerosis (Jones AC et al. Hum. Genet., 2000 Jun;106:663-8; Niida Y et al. J. Hum. Genet., 2013 Apr;58:216-25). In addition to the clinical data presented in the literature, alterations that disrupt the canonical splice site are expected to cause aberrant splicing, resulting in an abnormal protein or a transcript that is subject to nonsense-mediated mRNA decay. As such, this alteration is classified as a disease-causing mutation.

Tuberous sclerosis database (TSC2)
No classification provided. Condition: TSC. Review status: no classification provided. Criteria: Tuberous Sclerosis Database Assertion Criteria 2015. Collection method: curation. Allele origin: germline. Affected: yes. Not counted in ClinVar's aggregate classification.

Literature cited by the submitters: PubMed 10942116 (cited by Ambry Genetics); PubMed 23389244 (cited by Ambry Genetics).